The following is an entry in ClinVar:

NM_000079.4(CHRNA1):c.779-135G>A

Gene: CHRNA1 (cholinergic receptor nicotinic alpha 1 subunit; minus strand). Cytogenetic location: 2q31.1.
Variant type: single nucleotide variant.
Coding change: c.779-135G>A on transcript NM_000079.4 (MANE Select); 135 bases into the intron before coding-DNA position 779, G replaced by A.
Molecular consequence: intron variant.
Genome position (GRCh38, 1-based): chr2:174,750,304, C>T on the plus strand (G>A on the coding strand, the complement: CHRNA1 is on the minus strand). VCF-style: chr2-174750304-C-T. GRCh37 (hg19) VCF-style: chr2-175615032-C-T.
Other names: c.854-135G>A (NM_001039523.3).
Identifiers: ClinVar variation 679983 (VCV000679983.2), dbSNP rs11904606, ClinGen allele CA60849379.
Genomic context (GRCh38, chr2:174,750,304, plus strand): 5'-CACCATTTATATGTGGAAGTCCTGAGTCCTGGGACCTAAGAATGTGACTGTATTTGAAGA[C>T]AGGGACTTTAAGGAGGTAATTAAATGAAAACGAGGTGATATGGGGTAGTGAGTAATCAAG-3'

ClinVar aggregate classification (germline): Benign. Review status: criteria provided, multiple submitters, no conflicts (2 of 4 stars). 2 submissions from 2 submitters: Benign (2). Last evaluated 2018-06-19.

Allele frequency attached by ClinVar (database versions not stated): gnomAD exomes 0.00272; gnomAD 0.02584 and 0.02797; 1000 Genomes Project 0.02656; 1000 Genomes Project 30x 0.02686; TOPMed 0.02840.
gnomAD v4.1: 5,504 of 712,268 alleles (0.77%); highest among the groups gnomAD compares: African/African-American, 8.8%; 250 homozygotes.

Submissions (2):

GeneDx
Classification: Benign. Last evaluated: 2018-06-19. Review status: criteria provided, single submitter. Criteria: GeneDx Variant Classification (06012015). Collection method: clinical testing. Allele origin: germline. Affected: yes.
Comment: This variant is considered likely benign or benign based on one or more of the following criteria: it is a conservative change, it occurs at a poorly conserved position in the protein, it is predicted to be benign by multiple in silico algorithms, and/or has population frequency not consistent with disease.

Breakthrough Genomics
Classification: Benign. Review status: criteria provided, single submitter. Criteria: ACMG Guidelines, 2015. Collection method: not provided. Allele origin: germline. Inheritance: Autosomal recessive inheritance. Affected: yes.